The following is an entry in ClinVar:

NM_002227.4(JAK1):c.2054T>A (p.Val685Asp)

Gene: JAK1 (Janus kinase 1; minus strand). Cytogenetic location: 1p31.3.
Variant type: single nucleotide variant.
Coding change: c.2054T>A on transcript NM_002227.4 (MANE Select); coding-DNA position 2054, T replaced by A.
Protein change: p.Val685Asp; replaces valine 685 with aspartic acid.
Molecular consequence: missense variant.
Genome position (GRCh38, 1-based): chr1:64,845,574, A>T on the plus strand (T>A on the coding strand, the complement: JAK1 is on the minus strand). VCF-style: chr1-64845574-A-T. GRCh37 (hg19) VCF-style: chr1-65311257-A-T.
Other names: c.2054T>A, p.Val685Asp (NM_001320923.2, NM_001321852.2, NM_001321853.2 and 3 more transcripts); c.2051T>A, p.Val684Asp (NM_001321857.2); short protein forms V684D, V685D.
Identifiers: ClinVar variation 3690393 (VCV003690393.2).

ClinVar aggregate classification (germline): Uncertain significance (1 of 4 stars; one submission).

gnomAD v4.1: 4 of 1,614,160 alleles (0.00025%); highest among the groups gnomAD compares: East Asian, 0.0089%; no homozygotes.

Submission:

Labcorp Genetics (formerly Invitae), Labcorp
Classification: Uncertain significance. Last evaluated: 2025-10-11. Review status: criteria provided, single submitter. Criteria: Invitae Variant Classification Sherloc (09022015). Collection method: clinical testing. Allele origin: germline.
Comment: This sequence change replaces valine, which is neutral and non-polar, with aspartic acid, which is acidic and polar, at codon 685 of the JAK1 protein (p.Val685Asp). This variant is not present in population databases (gnomAD no frequency). This variant has not been reported in the literature in individuals affected with JAK1-related conditions. ClinVar contains an entry for this variant (Variation ID: 3690393). Invitae Evidence Modeling of protein sequence and biophysical properties (such as structural, functional, and spatial information, amino acid conservation, physicochemical variation, residue mobility, and thermodynamic stability) indicates that this missense variant is not expected to disrupt JAK1 protein function with a negative predictive value of 80%. In summary, the available evidence is currently insufficient to determine the role of this variant in disease. Therefore, it has been classified as a Variant of Uncertain Significance.